The following is an entry in ClinVar:

ClinVar aggregate classification (germline): Uncertain significance (1 of 4 stars; one submission).

Conditions:
Kabuki syndrome. Also called: NIIKAWA-KUROKI SYNDROME; Kabuki make-up syndrome. Identifiers: Orphanet 2322, MedGen C0796004, MONDO:0016512.

Allele frequency attached by ClinVar (database versions not stated): gnomAD exomes 0.00001; ExAC 0.00002; TOPMed 0.00002; gnomAD 0.00004; 1000 Genomes Project 30x 0.00031; 1000 Genomes Project 0.00040.
gnomAD v4.1: 16 of 1,613,920 alleles (0.00099%); highest among the groups gnomAD compares: African/African-American, 0.0067%; no homozygotes.

Submission:

Labcorp Genetics (formerly Invitae), Labcorp
Classification: Uncertain significance for Kabuki syndrome. Last evaluated: 2023-08-19. Review status: criteria provided, single submitter. Criteria: Invitae Variant Classification Sherloc (09022015). Collection method: clinical testing. Allele origin: germline.
Comment: Algorithms developed to predict the effect of missense changes on protein structure and function output the following: SIFT: "Not Available"; PolyPhen-2: "Benign"; Align-GVGD: "Not Available". The valine amino acid residue is found in multiple mammalian species, which suggests that this missense change does not adversely affect protein function. In summary, the available evidence is currently insufficient to determine the role of this variant in disease. Therefore, it has been classified as a Variant of Uncertain Significance. This variant has not been reported in the literature in individuals affected with KMT2D-related conditions. This variant is present in population databases (rs200119692, gnomAD 0.007%). This sequence change replaces alanine, which is neutral and non-polar, with valine, which is neutral and non-polar, at codon 1565 of the KMT2D protein (p.Ala1565Val).

NM_003482.4(KMT2D):c.4694C>T (p.Ala1565Val)

Gene: KMT2D (lysine methyltransferase 2D; minus strand). Cytogenetic location: 12q13.12.
Variant type: single nucleotide variant.
Coding change: c.4694C>T on transcript NM_003482.4 (MANE Select); coding-DNA position 4694, C replaced by T.
Protein change: p.Ala1565Val; replaces alanine 1565 with valine.
Molecular consequence: missense variant.
Genome position (GRCh38, 1-based): chr12:49,045,967, G>A on the plus strand (C>T on the coding strand, the complement: KMT2D is on the minus strand). VCF-style: chr12-49045967-G-A. GRCh37 (hg19) VCF-style: chr12-49439750-G-A.
Other names: short protein forms A1565V.
Identifiers: ClinVar variation 2749107 (VCV002749107.3), dbSNP rs200119692, ClinGen allele CA6547746.
Genomic context (GRCh38, chr12:49,045,967, plus strand): 5'-TTCTGTGACTCACCTGGCTCTTTCACCTTCATGGGCACCAGCTCTGGAGGTGCAACAGGC[G>A]CTATGGAGAGAAGGACAAACGGAGGTGGCTGAGGTCCTGTCCCAAAGCAAGGTACCCCTG-3'
Protein context (NP_003473.3, residues 1555-1575): SCQPYVVKPV[Ala1565Val]PVAPPELVPM